The following is an entry in ClinVar:

NM_000297.4(PKD2):c.2042A>G (p.Asn681Ser)

Gene: PKD2 (polycystin 2, transient receptor potential cation channel; plus strand). Cytogenetic location: 4q22.1.
Variant type: single nucleotide variant.
Coding change: c.2042A>G on transcript NM_000297.4 (MANE Select); coding-DNA position 2042, A replaced by G.
Protein change: p.Asn681Ser; replaces asparagine 681 with serine.
Molecular consequence: missense variant. On other transcripts: non-coding transcript variant (1).
Genome position (GRCh38, 1-based): chr4:88,061,928, A>G. VCF-style: chr4-88061928-A-G. GRCh37 (hg19) VCF-style: chr4-88983080-A-G.
Other names: short protein forms N681S.
Identifiers: ClinVar variation 2397704 (VCV002397704.13), dbSNP rs199723110, ClinGen allele CA100880478.

ClinVar aggregate classification (germline): Conflicting classifications of pathogenicity. Review status: criteria provided, conflicting classifications (1 of 4 stars). 4 submissions from 4 submitters: Uncertain significance (3); Likely benign (1). Last evaluated 2025-10-01.

Conditions:
Inborn genetic diseases. Identifiers: MedGen C0950123, MeSH D030342.
Autosomal dominant polycystic kidney disease. Identifiers: Orphanet 730, MedGen C0085413, MONDO:0004691.
Polycystic kidney disease 2 (PKD2). Also called: Polycystic Kidney Disease 2, Autosomal Dominant; POLYCYSTIC KIDNEY DISEASE, ADULT, TYPE II; POLYCYSTIC KIDNEY DISEASE 2 WITH OR WITHOUT POLYCYSTIC LIVER DISEASE. Identifiers: MedGen C2751306, MONDO:0013131, OMIM 613095.

Allele frequency attached by ClinVar (database versions not stated): gnomAD 0.00002; gnomAD exomes 0.00002; TOPMed 0.00002; 1000 Genomes Project 30x 0.00016; 1000 Genomes Project 0.00020.
gnomAD v4.1: 32 of 1,559,082 alleles (0.0021%); highest among the groups gnomAD compares: Admixed American, 0.005%; no homozygotes.

Submissions (4):

CeGaT Center for Human Genetics Tuebingen
Classification: Uncertain significance. Last evaluated: 2025-10-01. Review status: criteria provided, single submitter. Criteria: CeGaT Center For Human Genetics Tuebingen Variant Classification Criteria Version 2. Collection method: clinical testing. Allele origin: germline. Affected: yes. Observed: 1 variant allele.
Comment: PKD2: PM2

Ambry Genetics
Classification: Uncertain significance for Inborn genetic diseases. Last evaluated: 2025-08-30. Review status: criteria provided, single submitter. Criteria: Ambry Variant Classification Scheme 2023. Collection method: clinical testing. Allele origin: germline.

Labcorp Genetics (formerly Invitae), Labcorp
Classification: Uncertain significance for Autosomal dominant polycystic kidney disease. Last evaluated: 2025-06-27. Review status: criteria provided, single submitter. Criteria: Invitae Variant Classification Sherloc (09022015). Collection method: clinical testing. Allele origin: germline.
Comment: This sequence change replaces asparagine, which is neutral and polar, with serine, which is neutral and polar, at codon 681 of the PKD2 protein (p.Asn681Ser). This variant is present in population databases (rs199723110, gnomAD 0.007%). This variant has not been reported in the literature in individuals affected with PKD2-related conditions. ClinVar contains an entry for this variant (Variation ID: 2397704). Invitae Evidence Modeling of protein sequence and biophysical properties (such as structural, functional, and spatial information, amino acid conservation, physicochemical variation, residue mobility, and thermodynamic stability) indicates that this missense variant is not expected to disrupt PKD2 protein function with a negative predictive value of 80%. In summary, the available evidence is currently insufficient to determine the role of this variant in disease. Therefore, it has been classified as a Variant of Uncertain Significance.

Fulgent Genetics
Classification: Likely benign for Polycystic kidney disease 2. Last evaluated: 2024-02-08. Review status: criteria provided, single submitter. Criteria: ACMG Guidelines, 2015. Collection method: clinical testing. Allele origin: germline.